The following is an entry in ClinVar:

ClinVar aggregate classification (germline): Likely benign. Review status: criteria provided, multiple submitters, no conflicts (2 of 4 stars). 6 submissions from 6 submitters: Likely benign (4). 2 of the submissions do not count toward it. Last evaluated 2026-01-22.

Conditions:
Inborn genetic diseases. Identifiers: MedGen C0950123, MeSH D030342.
Disorders of Intracellular Cobalamin Metabolism. Identifiers: MedGen CN043592.
Methylcobalamin deficiency type cblE (HMAE). Also called: VITAMIN B12-RESPONSIVE HOMOCYSTINURIA, cblE TYPE; HOMOCYSTINURIA-MEGALOBLASTIC ANEMIA, cblE COMPLEMENTATION TYPE; HOMOCYSTINURIA-MEGALOBLASTIC ANEMIA, cblE TYPE. Identifiers: Orphanet 2169, Orphanet 622, MedGen C1856057, MONDO:0009354, OMIM 236270.
MTRR-related disorder. Also called: MTRR-related condition.
Neural tube defects, folate-sensitive (NTDFS). Also called: NTD, FOLATE-SENSITIVE. Identifiers: Orphanet 823, MedGen C1866558, MONDO:0011120, OMIM 601634.

Allele frequency attached by ClinVar (database versions not stated): gnomAD exomes 0.00018 and 0.00045; 1000 Genomes Project 30x 0.00375; ExAC 0.00054; gnomAD 0.00179 and 0.00190; TOPMed 0.00202; ESP Exome Variant Server 0.00208; 1000 Genomes Project 0.00260.

Submissions (6):

Labcorp Genetics (formerly Invitae), Labcorp
Classification: Likely benign for Methylcobalamin deficiency type cblE. Last evaluated: 2026-01-22. Review status: criteria provided, single submitter. Criteria: Invitae Variant Classification Sherloc (09022015). Collection method: clinical testing. Allele origin: germline.

Ambry Genetics
Classification: Likely benign for Inborn genetic diseases. Last evaluated: 2024-10-21. Review status: criteria provided, single submitter. Criteria: Ambry Variant Classification Scheme 2023. Collection method: clinical testing. Allele origin: germline.

Fulgent Genetics
Classification: Likely benign for Methylcobalamin deficiency type cblE; Neural tube defects, folate-sensitive. Last evaluated: 2021-09-01. Review status: criteria provided, single submitter. Criteria: ACMG Guidelines, 2015. Collection method: clinical testing. Allele origin: unknown.

Illumina Laboratory Services, Illumina
Classification: Likely benign for Disorders of Intracellular Cobalamin Metabolism. Last evaluated: 2018-01-12. Review status: criteria provided, single submitter. Criteria: ICSL Variant Classification Criteria 13 December 2019. Collection method: clinical testing. Allele origin: germline.
Comment: This variant was observed in the ICSL laboratory as part of a predisposition screen in an ostensibly healthy population. It had not been previously curated by ICSL or reported in the Human Gene Mutation Database (HGMD: prior to June 1st, 2018), and was therefore a candidate for classification through an automated scoring system. Utilizing variant allele frequency, disease prevalence and penetrance estimates, and inheritance mode, an automated score was calculated to assess if this variant is too frequent to cause the disease. Based on the score and internal cut-off values, a variant classified as likely benign is not then subjected to further curation. The score for this variant resulted in a classification of likely benign for this disease.

PreventionGenetics, part of Exact Sciences
Classification: Likely benign for MTRR-related condition. Last evaluated: 2020-10-14. Review status: no assertion criteria provided. Collection method: clinical testing. Allele origin: germline. Not counted in ClinVar's aggregate classification.
Comment: This variant is classified as likely benign based on ACMG/AMP sequence variant interpretation guidelines (Richards et al. 2015 PMID: 25741868, with internal and published modifications).

Natera, Inc.
Classification: Benign for CblE complementation type homocystinuria-megaloblastic anemia due to defect in cobalamin metabolism. Last evaluated: 2020-01-19. Review status: no assertion criteria provided. Collection method: clinical testing. Allele origin: germline. Not counted in ClinVar's aggregate classification.

NM_002454.3(MTRR):c.739C>T (p.Pro247Ser)

Gene: MTRR (5-methyltetrahydrofolate-homocysteine methyltransferase reductase; plus strand). Cytogenetic location: 5p15.31.
Variant type: single nucleotide variant.
Coding change: c.739C>T on transcript NM_002454.3 (MANE Select); coding-DNA position 739, C replaced by T.
Protein change: p.Pro247Ser; replaces proline 247 with serine.
Molecular consequence: missense variant. On other transcripts: non-coding transcript variant (14).
Genome position (GRCh38, 1-based): chr5:7,878,281, C>T. VCF-style: chr5-7878281-C-T. GRCh37 (hg19) VCF-style: chr5-7878394-C-T.
Other names: c.739C>T, p.Pro247Ser (NM_001364440.2, NM_001364441.2, NM_001364442.2 and 1 more transcripts); short protein forms P247S.
Identifiers: ClinVar variation 354356 (VCV000354356.26), dbSNP rs114053717, ClinGen allele CA3195681.